The following is an entry in ClinVar:

NM_019032.6(ADAMTSL4):c.1532T>C (p.Leu511Ser)

Genes: ADAMTSL4 (ADAMTS like 4; plus strand), ADAMTSL4-AS2 (ADAMTSL4 antisense RNA 2; minus strand). Cytogenetic location: 1q21.2.
Variant type: single nucleotide variant.
Coding change: c.1532T>C on transcript NM_019032.6 (MANE Select); coding-DNA position 1532, T replaced by C.
Protein change: p.Leu511Ser; replaces leucine 511 with serine.
Molecular consequence: missense variant.
Genome position (GRCh38, 1-based): chr1:150,556,322, T>C. VCF-style: chr1-150556322-T-C. GRCh37 (hg19) VCF-style: chr1-150528798-T-C.
Other names: c.1601T>C, p.Leu534Ser (NM_001288607.2, NM_001288608.2); c.1532T>C, p.Leu511Ser (NM_001378596.1, NM_025008.5); short protein forms L511S, L534S.
Identifiers: ClinVar variation 1477921 (VCV001477921.3), dbSNP rs2101623594, ClinGen allele CA342310413.
Genomic context (GRCh38, chr1:150,556,322, plus strand): 5'-TCACTGACCGAGGGGGCCCCCTGGGCTATCAGAAGATCTTGTGGATTCCAGCGGGAGCCT[T>C]GCGGCTCCAGATTGCCCAGCTCCGGCCTAGCTCCAACTACCTGGGTGAGCACCCAGCTGC-3'
Protein context (NP_061905.2, residues 501-521): QKILWIPAGA[Leu511Ser]RLQIAQLRPS

ClinVar aggregate classification (germline): Uncertain significance (1 of 4 stars; one submission).

Allele frequency attached by ClinVar (database versions not stated): gnomAD exomes below 0.00001.

Submission:

Labcorp Genetics (formerly Invitae), Labcorp
Classification: Uncertain significance. Last evaluated: 2021-09-26. Review status: criteria provided, single submitter. Criteria: Invitae Variant Classification Sherloc (09022015). Collection method: clinical testing. Allele origin: germline.
Comment: This sequence change replaces leucine with serine at codon 511 of the ADAMTSL4 protein (p.Leu511Ser). The leucine residue is weakly conserved and there is a large physicochemical difference between leucine and serine. This variant is not present in population databases (ExAC no frequency). This variant has not been reported in the literature in individuals affected with ADAMTSL4-related conditions. Algorithms developed to predict the effect of missense changes on protein structure and function output the following: SIFT: "Tolerated"; PolyPhen-2: "Benign"; Align-GVGD: "Class C0". The serine amino acid residue is found in multiple mammalian species, which suggests that this missense change does not adversely affect protein function. In summary, the available evidence is currently insufficient to determine the role of this variant in disease. Therefore, it has been classified as a Variant of Uncertain Significance.